The following is an entry in ClinVar:

ClinVar aggregate classification (germline): Likely benign. Review status: criteria provided, single submitter (1 of 4 stars). 2 submissions from 2 submitters: Likely benign (1). 1 of the submissions does not count toward it. Last evaluated 2025-08-01.

Conditions:
GP6-related disorder. Also called: GP6-related condition.

Submissions (2):

Labcorp Genetics (formerly Invitae), Labcorp
Classification: Likely benign. Last evaluated: 2025-08-01. Review status: criteria provided, single submitter. Criteria: Invitae Variant Classification Sherloc (09022015). Collection method: clinical testing. Allele origin: germline.

PreventionGenetics, part of Exact Sciences
Classification: Likely benign for GP6-related condition. Last evaluated: 2021-05-26. Review status: no assertion criteria provided. Collection method: clinical testing. Allele origin: germline. Not counted in ClinVar's aggregate classification.
Comment: This variant is classified as likely benign based on ACMG/AMP sequence variant interpretation guidelines (Richards et al. 2015 PMID: 25741868, with internal and published modifications).

NM_016363.5(GP6):c.*371T>G

Gene: GP6 (glycoprotein VI platelet; minus strand). Cytogenetic location: 19q13.42.
Variant type: single nucleotide variant.
Coding change: c.*371T>G on transcript NM_016363.5 (MANE Select); 371 bases downstream of the stop codon, T replaced by G.
Molecular consequence: 3 prime UTR variant. On other transcripts: synonymous variant (1).
Genome position (GRCh38, 1-based): chr19:55,014,550, A>C on the plus strand (T>G on the coding strand, the complement: GP6 is on the minus strand). VCF-style: chr19-55014550-A-C. GRCh37 (hg19) VCF-style: chr19-55525918-A-C.
Other names: c.1395T>G, p.Val465= (NM_001083899.2); c.*371T>G (NM_001256017.2).
Identifiers: ClinVar variation 3060047 (VCV003060047.3), dbSNP rs2516857854, ClinGen allele CA2740096974.
Genomic context (GRCh38, chr19:55,014,550, plus strand): 5'-AACCAGACAAGAGCACAGAGGGCCAAAGGGAAGCACGGGAGGATTTTGCACAGAGGATGG[A>C]ACAGAGTCAACCCTGAGAGCTGGGAACCTTAGAGATCCGTCTGGAGCCCATATTAGAGAG-3'